The following is an entry in ClinVar:

ClinVar aggregate classification (germline): Conflicting classifications of pathogenicity. Review status: criteria provided, conflicting classifications (1 of 4 stars). 2 submissions from 2 submitters: Uncertain significance (1); Likely benign (1). Last evaluated 2025-09-17.

Conditions:
Cardiovascular phenotype. Identifiers: MedGen CN230736.
Hypercholesterolemia, autosomal dominant, type B (FHCL2). Also called: Hyperlipoproteinemia Type IIb; Familial Hypercholesterolemia Type B; APOLIPOPROTEIN B-100, FAMILIAL DEFECTIVE; APOLIPOPROTEIN B-100, FAMILIAL LIGAND-DEFECTIVE; Familial hypercholesterolemia 2; APOB-Related Familial Hypercholesterolemia, Autosomal Dominant. Identifiers: MedGen C1704417, MONDO:0007751, OMIM 144010.
Familial hypobetalipoproteinemia 1. Also called: Hypobetalipoproteinemia, normotriglyceridemic; Acanthocytosis with hypobetalipoproteinemia; APOB-Related Familial Hypobetalipoproteinemia. Identifiers: MedGen C4551990, MONDO:0014252, OMIM 615558.

Allele frequency attached by ClinVar (database versions not stated): TOPMed below 0.00001; ExAC 0.00001; gnomAD 0.00001; gnomAD exomes 0.00001 and 0.00003.
gnomAD v4.1: 50 of 1,613,894 alleles (0.0031%); highest among the groups gnomAD compares: Non-Finnish European, 0.0042%; no homozygotes.

Submissions (2):

Ambry Genetics
Classification: Uncertain significance for Cardiovascular phenotype. Last evaluated: 2025-09-17. Review status: criteria provided, single submitter. Criteria: Ambry Variant Classification Scheme 2023. Collection method: clinical testing. Allele origin: germline.
Comment: The p.P3593A variant (also known as c.10777C>G), located in coding exon 26 of the APOB gene, results from a C to G substitution at nucleotide position 10777. The proline at codon 3593 is replaced by alanine, an amino acid with highly similar properties. This amino acid position is conserved. In addition, this alteration is predicted to be tolerated by in silico analysis. Based on the available evidence, the clinical significance of this variant remains unclear.

Labcorp Genetics (formerly Invitae), Labcorp
Classification: Likely benign for Familial hypobetalipoproteinemia 1; Hypercholesterolemia, autosomal dominant, type B. Last evaluated: 2025-09-17. Review status: criteria provided, single submitter. Criteria: Invitae Variant Classification Sherloc (09022015). Collection method: clinical testing. Allele origin: germline.

NM_000384.3(APOB):c.10777C>G (p.Pro3593Ala)

Gene: APOB (apolipoprotein B; minus strand). Cytogenetic location: 2p24.1.
Variant type: single nucleotide variant.
Coding change: c.10777C>G on transcript NM_000384.3 (MANE Select); coding-DNA position 10777, C replaced by G.
Protein change: p.Pro3593Ala; replaces proline 3593 with alanine.
Molecular consequence: missense variant.
Genome position (GRCh38, 1-based): chr2:21,006,091, G>C on the plus strand (C>G on the coding strand, the complement: APOB is on the minus strand). VCF-style: chr2-21006091-G-C. GRCh37 (hg19) VCF-style: chr2-21228963-G-C.
Other names: short protein forms P3593A.
Identifiers: ClinVar variation 580270 (VCV000580270.13), dbSNP rs780710019, ClinGen allele CA044777.